The following is an entry in ClinVar:

ClinVar aggregate classification (germline): Uncertain significance (1 of 4 stars; one submission).

Submission:

Greenwood Genetic Center Diagnostic Laboratories, Greenwood Genetic Center
Classification: Uncertain significance. Last evaluated: 2022-10-11. Review status: criteria provided, single submitter. Criteria: ACMG Guidelines, 2015. Collection method: clinical testing. Allele origin: germline. Affected: yes.
Comment: PM2

NM_001379451.1(BCORL1):c.2290_2291delinsAA (p.Ala764Asn)

Gene: BCORL1 (BCL6 corepressor like 1; plus strand). Cytogenetic location: Xq26.1.
Variant type: Indel.
Coding change: c.2290_2291delinsAA on transcript NM_001379451.1 (MANE Select); coding-DNA positions 2290 to 2291, GC replaced by AA.
Protein change: p.Ala764Asn; replaces alanine 764 with asparagine.
Molecular consequence: missense variant.
Genome position (GRCh38, 1-based): chrX:130,015,062-130,015,063, GC replaced by AA. VCF-style: chrX-130015062-GC-AA. GRCh37 (hg19) VCF-style: chrX-129149038-GC-AA.
Other names: c.2290_2291delinsAA, p.Ala764Asn (NM_001184772.3, NM_001379450.1, NM_021946.5); c.2290_2291delGCinsAA, p.Ala764Asn (NM_021946.4); short protein forms A764N.
Identifiers: ClinVar variation 2429064 (VCV002429064.4), dbSNP rs2522672896, ClinGen allele CA2580101486.
Genomic context (GRCh38, chrX:130,015,062, plus strand): 5'-CATCTCCCCAAGCAGGAGCCCATCTCCATCATTGATCAAGGAGAGCCTAAGGGCACTGGT[GC>AA]CACGTGTGGCAAAAAGGGCAGCCAGGCTGGTGCTGAGGGACAGCCAAGCACAGTGAAACG-3'
Protein context (NP_001366380.1, residues 754-774): IDQGEPKGTG[Ala764Asn]TCGKKGSQAG